The following is an entry in ClinVar:

ClinVar aggregate classification (germline): Benign. Review status: criteria provided, multiple submitters, no conflicts (2 of 4 stars). 4 submissions from 4 submitters: Benign (4). Last evaluated 2026-01-29.

Allele frequency attached by ClinVar (database versions not stated): gnomAD 0.13612; gnomAD exomes 0.14777 and 0.15685; 1000 Genomes Project 30x 0.13289; TOPMed 0.13798; ESP Exome Variant Server 0.14335; ExAC 0.14999; 1000 Genomes Project 0.13678.

Submissions (4):

Labcorp Genetics (formerly Invitae), Labcorp
Classification: Benign. Last evaluated: 2026-01-29. Review status: criteria provided, single submitter. Criteria: Invitae Variant Classification Sherloc (09022015). Collection method: clinical testing. Allele origin: germline.

Mayo Clinic Laboratories, Mayo Clinic
Classification: Benign. Last evaluated: 2022-10-27. Review status: criteria provided, single submitter. Criteria: ACMG Guidelines, 2015. Collection method: clinical testing. Allele origin: germline. Observed: 56 variant alleles.

GeneDx
Classification: Benign. Last evaluated: 2018-06-14. Review status: criteria provided, single submitter. Criteria: GeneDx Variant Classification (06012015). Collection method: clinical testing. Allele origin: germline. Affected: yes.
Comment: This variant is considered likely benign or benign based on one or more of the following criteria: it is a conservative change, it occurs at a poorly conserved position in the protein, it is predicted to be benign by multiple in silico algorithms, and/or has population frequency not consistent with disease.

Breakthrough Genomics
Classification: Benign. Review status: criteria provided, single submitter. Criteria: ACMG Guidelines, 2015. Collection method: not provided. Allele origin: germline. Inheritance: Autosomal recessive inheritance. Affected: yes.

NM_017819.4(TRMT10C):c.167C>G (p.Pro56Arg)

Gene: TRMT10C (tRNA methyltransferase 10C, mitochondrial RNase P subunit; plus strand). Cytogenetic location: 3q12.3.
Variant type: single nucleotide variant.
Coding change: c.167C>G on transcript NM_017819.4 (MANE Select); coding-DNA position 167, C replaced by G.
Protein change: p.Pro56Arg; replaces proline 56 with arginine.
Molecular consequence: missense variant.
Genome position (GRCh38, 1-based): chr3:101,564,948, C>G. VCF-style: chr3-101564948-C-G. GRCh37 (hg19) VCF-style: chr3-101283792-C-G.
Other names: p.Pro56Arg; short protein forms P56R.
Identifiers: ClinVar variation 671432 (VCV000671432.11), dbSNP rs3762735, ClinGen allele CA2520475.